The following is an entry in ClinVar:

ClinVar aggregate classification (germline): Pathogenic (1 of 4 stars; one submission).

Conditions:
Primary ciliary dyskinesia. Also called: Ciliary dyskinesia. Identifiers: Orphanet 244, MedGen C0008780, MONDO:0016575, HP:0012265.

Allele frequency attached by ClinVar (database versions not stated): gnomAD exomes 0.00001.

Submission:

Labcorp Genetics (formerly Invitae), Labcorp
Classification: Pathogenic for Primary ciliary dyskinesia. Last evaluated: 2023-05-10. Review status: criteria provided, single submitter. Criteria: Invitae Variant Classification Sherloc (09022015). Collection method: clinical testing. Allele origin: germline.
Comment: For these reasons, this variant has been classified as Pathogenic. This variant has not been reported in the literature in individuals affected with DNAH11-related conditions. The frequency data for this variant in the population databases is considered unreliable, as metrics indicate poor data quality at this position in the gnomAD database. This sequence change creates a premature translational stop signal (p.Ala3358Glufs*12) in the DNAH11 gene. It is expected to result in an absent or disrupted protein product. Loss-of-function variants in DNAH11 are known to be pathogenic (PMID: 18022865, 20513915, 22184204).

Literature cited by the submitters: PubMed 18022865; PubMed 20513915; PubMed 22184204.

NM_001277115.2(DNAH11):c.10073del (p.Ala3358fs)

Gene: DNAH11 (dynein axonemal heavy chain 11; plus strand). Cytogenetic location: 7p15.3.
Variant type: Deletion.
Coding change: c.10073del on transcript NM_001277115.2 (MANE Select); coding-DNA position 10073, one base deleted (C; older notation c.10073delC).
Protein change: p.Ala3358fs; shifts the reading frame from alanine 3358.
Molecular consequence: frameshift variant.
Genome position (GRCh38, 1-based): chr7:21,801,183, C deleted. VCF-style (leftmost placement, unchanged base first): chr7-21801182-GC-G. GRCh37 (hg19) VCF-style: chr7-21840800-GC-G.
Other names: c.10094delC, p.Ala3365Glufs (NM_003777.3); short protein forms A3358fs.
Identifiers: ClinVar variation 2906640 (VCV002906640.3), dbSNP rs1300956481, ClinGen allele CA572917306.